The following is an entry in ClinVar:

ClinVar aggregate classification (germline): Uncertain significance (1 of 4 stars; one submission).

Conditions:
Muscular dystrophy-dystroglycanopathy (congenital with impaired intellectual development), type B, 14. Also called: Muscular dystrophy-dystroglycanopathy (congenital with intellectual disability), type B14; MUSCULAR DYSTROPHY, CONGENITAL, GMPPB-RELATED; Congenital muscular dystrophy-dystroglycanopathy with mental retardation, type B14. Identifiers: MedGen C3809221, MONDO:0014141, OMIM 615351.
Muscular dystrophy-dystroglycanopathy (congenital with brain and eye anomalies), type A14. Also called: WALKER-WARBURG SYNDROME OR MUSCLE-EYE-BRAIN DISEASE, GMPPB-RELATED; Muscular dystrophy-dystroglycanopathy (congenital with brain and eye anomalies), type a, 14; Congenital Muscular Dystrophy-Dystroglycanopathy with Brain and Eye Anomalies Type A 14; Congenital muscular dystrophy-dystroglycanopathy with brain and eye anomalies, type A14. Identifiers: Orphanet 588, MedGen C3809216, MONDO:0014140, OMIM 615350.
Autosomal recessive limb-girdle muscular dystrophy type 2T. Also called: MUSCULAR DYSTROPHY-DYSTROGLYCANOPATHY, LIMB-GIRDLE, GMPPB-RELATED; MUSCULAR DYSTROPHY, LIMB-GIRDLE, TYPE 2T; Muscular dystrophy-dystroglycanopathy (limb-girdle), type c, 14; Limb-girdle muscular dystrophy-dystroglycanopathy, type C14. Identifiers: Orphanet 363623, MedGen C4518000, MONDO:0014142, OMIM 615352.

Allele frequency attached by ClinVar (database versions not stated): gnomAD exomes below 0.00001; TOPMed below 0.00001; gnomAD 0.00001.
gnomAD v4.1: 3 of 1,614,062 alleles (0.00019%); highest among the groups gnomAD compares: East Asian, 0.0045%; no homozygotes.

Submission:

Labcorp Genetics (formerly Invitae), Labcorp
Classification: Uncertain significance for Autosomal recessive limb-girdle muscular dystrophy type 2T; Muscular dystrophy-dystroglycanopathy (congenital with brain and eye anomalies), type A14; Muscular dystrophy-dystroglycanopathy (congenital with impaired intellectual development), type B, 14. Last evaluated: 2022-01-16. Review status: criteria provided, single submitter. Criteria: Invitae Variant Classification Sherloc (09022015). Collection method: clinical testing. Allele origin: germline.
Comment: In summary, the available evidence is currently insufficient to determine the role of this variant in disease. Therefore, it has been classified as a Variant of Uncertain Significance. Algorithms developed to predict the effect of missense changes on protein structure and function are either unavailable or do not agree on the potential impact of this missense change (SIFT: "Tolerated"; PolyPhen-2: "Possibly Damaging"; Align-GVGD: "Class C0"). This variant has not been reported in the literature in individuals affected with GMPPB-related conditions. This variant is not present in population databases (gnomAD no frequency). This sequence change replaces glutamic acid, which is acidic and polar, with lysine, which is basic and polar, at codon 82 of the GMPPB protein (p.Glu82Lys).

NM_021971.4(GMPPB):c.244G>A (p.Glu82Lys)

Genes: GMPPB (GDP-mannose pyrophosphorylase B; minus strand), LOC129936764 (ATAC-STARR-seq lymphoblastoid active region 19874; plus strand). Cytogenetic location: 3p21.31.
Variant type: single nucleotide variant.
Coding change: c.244G>A on transcript NM_021971.4 (MANE Select); coding-DNA position 244, G replaced by A.
Protein change: p.Glu82Lys; replaces glutamic acid 82 with lysine.
Molecular consequence: missense variant.
Genome position (GRCh38, 1-based): chr3:49,723,269, C>T on the plus strand (G>A on the coding strand, the complement: GMPPB is on the minus strand). VCF-style: chr3-49723269-C-T. GRCh37 (hg19) VCF-style: chr3-49760702-C-T.
Other names: c.244G>A, p.Glu82Lys (NM_013334.4); short protein forms E82K.
Identifiers: ClinVar variation 2142474 (VCV002142474.4), dbSNP rs1210237000, ClinGen allele CA352830094.
Genomic context (GRCh38, chr3:49,723,269, plus strand): 5'-CTGGCCTTAAACCCTCCCCCAAGGGACCTTTCTGCCTCTACTGACCTGTCCCCAAAGGCT[C>T]CTCTTCATGGGACATGGAGATTCGGATTCCCAGCTGGAAGGAAGAGGCCCCCCCAGTCAG-3'
Protein context (NP_068806.2, residues 72-92): GIRISMSHEE[Glu82Lys]PLGTAGPLAL